The following is an entry in ClinVar:

NM_032793.5(MFSD2A):c.190G>T (p.Gly64Cys)

Gene: MFSD2A (MFSD2 lysolipid transporter A, lysophospholipid; plus strand). Cytogenetic location: 1p34.2.
Variant type: single nucleotide variant.
Coding change: c.190G>T on transcript NM_032793.5 (MANE Select); coding-DNA position 190, G replaced by T.
Protein change: p.Gly64Cys; replaces glycine 64 with cysteine.
Molecular consequence: missense variant. On other transcripts: 5 prime UTR variant (1), non-coding transcript variant (1), intron variant (2).
Genome position (GRCh38, 1-based): chr1:39,957,183, G>T. VCF-style: chr1-39957183-G-T. GRCh37 (hg19) VCF-style: chr1-40422855-G-T.
Other names: c.190G>T, p.Gly64Cys (NM_001136493.3, NM_001349822.2); c.184G>T, p.Gly62Cys (NM_001349821.2); c.-156G>T (NM_001349823.2); c.94-15G>T (NM_001287809.2); c.-116+1798G>T (NM_001287808.2); short protein forms G62C, G64C.
Identifiers: ClinVar variation 2971746 (VCV002971746.3), dbSNP rs2522902067, ClinGen allele CA339829773.
Genomic context (GRCh38, chr1:39,957,183, plus strand): 5'-TGCAACAAGCTTTGCTATGCACTTGGGGGAGCCCCCTACCAGGTGACGGGCTGTGCCCTG[G>T]GTTTCTTCCTTCAGATCTACCTATTGGATGTGGCTCAGGTGAGTGGTCTAAGCCTTCGAG-3'
Protein context (NP_116182.2, residues 54-74): APYQVTGCAL[Gly64Cys]FFLQIYLLDV

ClinVar aggregate classification (germline): Uncertain significance (1 of 4 stars; one submission).

Submission:

Labcorp Genetics (formerly Invitae), Labcorp
Classification: Uncertain significance. Last evaluated: 2023-06-21. Review status: criteria provided, single submitter. Criteria: Invitae Variant Classification Sherloc (09022015). Collection method: clinical testing. Allele origin: germline.
Comment: In summary, the available evidence is currently insufficient to determine the role of this variant in disease. Therefore, it has been classified as a Variant of Uncertain Significance. Algorithms developed to predict the effect of sequence changes on RNA splicing suggest that this variant may create or strengthen a splice site. Advanced modeling of protein sequence and biophysical properties (such as structural, functional, and spatial information, amino acid conservation, physicochemical variation, residue mobility, and thermodynamic stability) performed at Invitae indicates that this missense variant is expected to disrupt MFSD2A protein function. This missense change has been observed in individual(s) with autosomal recessive microcephaly (Invitae). This variant is not present in population databases (gnomAD no frequency). This sequence change replaces glycine, which is neutral and non-polar, with cysteine, which is neutral and slightly polar, at codon 64 of the MFSD2A protein (p.Gly64Cys).